The following is an entry in ClinVar:

ClinVar aggregate classification (germline): Uncertain significance. Review status: criteria provided, multiple submitters, no conflicts (2 of 4 stars). 2 submissions from 2 submitters: Uncertain significance (2). Last evaluated 2022-12-31.

Conditions:
Inborn genetic diseases. Identifiers: MedGen C0950123, MeSH D030342.

Allele frequency attached by ClinVar (database versions not stated): gnomAD exomes below 0.00001; gnomAD 0.00001.
gnomAD v4.1: 2 of 1,098,410 alleles (0.00018%); highest among the groups gnomAD compares: African/African-American, 0.0018%; no homozygotes.

Submissions (2):

Labcorp Genetics (formerly Invitae), Labcorp
Classification: Uncertain significance. Last evaluated: 2022-12-31. Review status: criteria provided, single submitter. Criteria: Invitae Variant Classification Sherloc (09022015). Collection method: clinical testing. Allele origin: germline.
Comment: In summary, the available evidence is currently insufficient to determine the role of this variant in disease. Therefore, it has been classified as a Variant of Uncertain Significance. Algorithms developed to predict the effect of missense changes on protein structure and function output the following: SIFT: "Tolerated"; PolyPhen-2: "Benign"; Align-GVGD: "Class C0". The proline amino acid residue is found in multiple mammalian species, which suggests that this missense change does not adversely affect protein function. This variant has not been reported in the literature in individuals affected with ARID1B-related conditions. The frequency data for this variant in the population databases is considered unreliable, as metrics indicate insufficient coverage at this position in the gnomAD database. This sequence change replaces serine, which is neutral and polar, with proline, which is neutral and non-polar, at codon 451 of the ARID1B protein (p.Ser451Pro).

Ambry Genetics
Classification: Uncertain significance for Inborn genetic diseases. Last evaluated: 2021-08-02. Review status: criteria provided, single submitter. Criteria: Ambry Variant Classification Scheme 2023. Collection method: clinical testing. Allele origin: germline.

NM_001374828.1(ARID1B):c.1600T>C (p.Ser534Pro)

Gene: ARID1B (AT-rich interaction domain 1B; plus strand). Cytogenetic location: 6q25.3.
Variant type: single nucleotide variant.
Coding change: c.1600T>C on transcript NM_001374828.1 (MANE Select); coding-DNA position 1600, T replaced by C.
Protein change: p.Ser534Pro; replaces serine 534 with proline.
Molecular consequence: missense variant.
Genome position (GRCh38, 1-based): chr6:156,779,280, T>C. VCF-style: chr6-156779280-T-C. GRCh37 (hg19) VCF-style: chr6-157100414-T-C.
Other names: c.1351T>C, p.Ser451Pro (NM_001346813.1, NM_020732.3); c.1600T>C, p.Ser534Pro (NM_001371656.1, NM_001374820.1, NM_017519.3); c.1177T>C, p.Ser393Pro (NM_175863.2); short protein forms S393P, S534P, S451P.
Identifiers: ClinVar variation 2389702 (VCV002389702.5), dbSNP rs1438676618, ClinGen allele CA366385073.